The following is an entry in ClinVar:

NM_017636.4(TRPM4):c.3547A>G (p.Ser1183Gly)

Gene: TRPM4 (transient receptor potential cation channel subfamily M member 4; plus strand). Cytogenetic location: 19q13.33.
Variant type: single nucleotide variant.
Coding change: c.3547A>G on transcript NM_017636.4 (MANE Select); coding-DNA position 3547, A replaced by G.
Protein change: p.Ser1183Gly; replaces serine 1183 with glycine.
Molecular consequence: missense variant.
Genome position (GRCh38, 1-based): chr19:49,211,176, A>G. VCF-style: chr19-49211176-A-G. GRCh37 (hg19) VCF-style: chr19-49714433-A-G.
Other names: c.3112A>G, p.Ser1038Gly (NM_001195227.2); c.3202A>G, p.Ser1068Gly (NM_001321281.2); c.1939A>G, p.Ser647Gly (NM_001321282.2); c.3025A>G, p.Ser1009Gly (NM_001321283.2); c.2485A>G, p.Ser829Gly (NM_001321285.2); short protein forms S1038G, S1183G, S1068G, S647G, S1009G, S829G.
Identifiers: ClinVar variation 2743837 (VCV002743837.3), dbSNP rs377476693, ClinGen allele CA406773605.

ClinVar aggregate classification (germline): Uncertain significance (1 of 4 stars; one submission).

Conditions:
Progressive familial heart block type IB (PFHB1B). Identifiers: Orphanet 871, MedGen C1970298, MONDO:0011474, OMIM 604559.

gnomAD v4.1: 2 of 1,605,620 alleles (0.00012%); highest among the groups gnomAD compares: East Asian, 0.0022%; no homozygotes.

Submission:

Labcorp Genetics (formerly Invitae), Labcorp
Classification: Uncertain significance for Progressive familial heart block type IB. Last evaluated: 2023-07-16. Review status: criteria provided, single submitter. Criteria: Invitae Variant Classification Sherloc (09022015). Collection method: clinical testing. Allele origin: germline.
Comment: In summary, the available evidence is currently insufficient to determine the role of this variant in disease. Therefore, it has been classified as a Variant of Uncertain Significance. This variant is not present in population databases (gnomAD no frequency). Algorithms developed to predict the effect of missense changes on protein structure and function output the following: SIFT: "Not Available"; PolyPhen-2: "Benign"; Align-GVGD: "Not Available". The glycine amino acid residue is found in multiple mammalian species, which suggests that this missense change does not adversely affect protein function. This variant has not been reported in the literature in individuals affected with TRPM4-related conditions. This sequence change replaces serine, which is neutral and polar, with glycine, which is neutral and non-polar, at codon 1183 of the TRPM4 protein (p.Ser1183Gly).